The following is an entry in ClinVar:

NC_000001.10:g.(?_76190473)_(76228448_?)del

Gene: ACADM (acyl-CoA dehydrogenase medium chain; plus strand). Cytogenetic location: 1p31.1.
Variant type: Deletion.
Identifiers: ClinVar variation 3247648 (VCV003247648.1).

ClinVar aggregate classification (germline): Pathogenic (1 of 4 stars; one submission).

Conditions:
Medium-chain acyl-coenzyme A dehydrogenase deficiency (ACADMD). Also called: Medium chain acyl-CoA dehydrogenase deficiency; CARNITINE DEFICIENCY SECONDARY TO MEDIUM-CHAIN ACYL-CoA DEHYDROGENASE DEFICIENCY; MCAD Deficiency; MCADH DEFICIENCY; ACADM DEFICIENCY; MCADD. Identifiers: Orphanet 42, MedGen C0220710, MONDO:0008721, OMIM 201450.

Submission:

Labcorp Genetics (formerly Invitae), Labcorp
Classification: Pathogenic for Medium-chain acyl-coenzyme A dehydrogenase deficiency. Last evaluated: 2024-01-14. Review status: criteria provided, single submitter. Criteria: Invitae Variant Classification Sherloc (09022015). Collection method: clinical testing. Allele origin: unknown.
Comment: A gross deletion of the genomic region encompassing the full coding sequence of the ACADM gene has been identified. Loss-of-function variants in ACADM are known to be pathogenic (PMID: 16121256, 20434380). The boundaries of this event are unknown as they extend beyond the assayed region for this gene and therefore may encompass additional genes. This variant has not been reported in the literature in individuals affected with ACADM-related conditions. For these reasons, this variant has been classified as Pathogenic.

Literature cited by the submitters: PubMed 16121256; PubMed 20434380.